The following is an entry in ClinVar:

NM_018196.4(TMLHE):c.963C>T (p.Ile321=)

Gene: TMLHE (trimethyllysine hydroxylase, epsilon; minus strand). Cytogenetic location: Xq28.
Variant type: single nucleotide variant.
Coding change: c.963C>T on transcript NM_018196.4 (MANE Select); coding-DNA position 963, C replaced by T.
Protein change: p.Ile321=; no amino-acid change (isoleucine 321 retained).
Molecular consequence: synonymous variant.
Genome position (GRCh38, 1-based): chrX:155,506,930, G>A on the plus strand (C>T on the coding strand, the complement: TMLHE is on the minus strand). VCF-style: chrX-155506930-G-A. GRCh37 (hg19) VCF-style: chrX-154736591-G-A.
Other names: c.963C>T, p.Ile321= (NM_001184797.2).
Identifiers: ClinVar variation 3051170 (VCV003051170.2), dbSNP rs782643746, ClinGen allele CA10569445.
Genomic context (GRCh38, chrX:155,506,930, plus strand): 5'-CAGTTGGGGATAGTTCTTTGATACTCACCTGATCAAATACAGCTCTTTATTCCATGGGTA[G>A]ATATTTAAGACTGGCCCAATCCCAATCATGTGGTTGTGACATTCTCCAACATCTTCAATA-3'
Protein context (NP_060666.1, residues 311-331): HMIGIGPVLN[Ile321=]YPWNKELYLI

ClinVar aggregate classification (germline): Likely benign (0 of 4 stars; one submission).

Conditions:
TMLHE-related disorder. Also called: TMLHE-related condition.

Allele frequency attached by ClinVar (database versions not stated): TOPMed 0.00003; gnomAD 0.00006; gnomAD exomes 0.00022; ExAC 0.00025; 1000 Genomes Project 0.00106; 1000 Genomes Project 30x 0.00125.
gnomAD v4.1: 241 of 1,207,353 alleles (0.02%); highest among the groups gnomAD compares: South Asian, 0.41%; 3 homozygotes.

Submission:

PreventionGenetics, part of Exact Sciences
Classification: Likely benign for TMLHE-related condition. Last evaluated: 2019-04-04. Review status: no assertion criteria provided. Collection method: clinical testing. Allele origin: germline.
Comment: This variant is classified as likely benign based on ACMG/AMP sequence variant interpretation guidelines (Richards et al. 2015 PMID: 25741868, with internal and published modifications).